The following is an entry in ClinVar:

ClinVar aggregate classification (germline): Uncertain significance. Review status: criteria provided, multiple submitters, no conflicts (2 of 4 stars). 2 submissions from 2 submitters: Uncertain significance (2). Last evaluated 2022-10-21.

Allele frequency attached by ClinVar (database versions not stated): gnomAD exomes below 0.00001 and 0.00001.
gnomAD v4.1: 8 of 1,613,514 alleles (0.0005%); highest among the groups gnomAD compares: South Asian, 0.0022%; no homozygotes.

Submissions (2):

Blueprint Genetics
Classification: Uncertain significance. Last evaluated: 2022-10-21. Review status: criteria provided, single submitter. Criteria: ACMG Guidelines, 2015. Collection method: clinical testing. Allele origin: germline.

GeneDx
Classification: Uncertain significance. Last evaluated: 2017-01-19. Review status: criteria provided, single submitter. Criteria: GeneDx Variant Classification (06012015). Collection method: clinical testing. Allele origin: germline. Affected: yes.
Comment: The R391W variant in the SPG7 gene has not been reported previously as a pathogenic variant, nor as a benign variant, to our knowledge. The R391W variant was not observed in approximately 6,500 individuals of European and African American ancestry in the NHLBI Exome Sequencing Project, indicating it is not a common benign variant in these populations. The R391W variant is a non-conservative amino acid substitution, which is likely to impact secondary protein structure as these residues differ in polarity, charge, size and/or other properties. This substitution occurs at a position that is conserved across species, and in silico analysis predicts this variant is probably damaging to the protein structure/function. We interpret R391W as a variant of uncertain significance.

NM_003119.4(SPG7):c.1171C>T (p.Arg391Trp)

Gene: SPG7 (SPG7 matrix AAA peptidase subunit, paraplegin; plus strand). Cytogenetic location: 16q24.3.
Variant type: single nucleotide variant.
Coding change: c.1171C>T on transcript NM_003119.4 (MANE Select); coding-DNA position 1171, C replaced by T.
Protein change: p.Arg391Trp; replaces arginine 391 with tryptophan.
Molecular consequence: missense variant.
Genome position (GRCh38, 1-based): chr16:89,532,483, C>T. VCF-style: chr16-89532483-C-T. GRCh37 (hg19) VCF-style: chr16-89598891-C-T.
Other names: c.1171C>T, p.Arg391Trp (NM_001363850.1, NM_199367.3); short protein forms R391W.
Identifiers: ClinVar variation 392506 (VCV000392506.3), dbSNP rs1057524520, ClinGen allele CA16607493.